The following is an entry in ClinVar:

NM_007118.4(TRIO):c.1362del (p.Glu455fs)

Gene: TRIO (trio Rho guanine nucleotide exchange factor; plus strand). Cytogenetic location: 5p15.2.
Variant type: Deletion.
Coding change: c.1362del on transcript NM_007118.4 (MANE Select); coding-DNA position 1362, one base deleted (C; older notation c.1362delC).
Protein change: p.Glu455fs; shifts the reading frame from glutamic acid 455.
Molecular consequence: frameshift variant. On other transcripts: non-coding transcript variant (1).
Genome position (GRCh38, 1-based): chr5:14,297,257, C deleted; the last of 2 consecutive C bases (chr5:14,297,256-14,297,257); deleting either gives the same sequence. VCF-style (leftmost placement, unchanged base first): chr5-14297255-GC-G. GRCh37 (hg19) VCF-style: chr5-14297364-GC-G.
Other names: short protein forms E455fs.
Identifiers: ClinVar variation 3343416 (VCV003343416.1).

ClinVar aggregate classification (germline): Pathogenic (1 of 4 stars; one submission).

Submission:

GeneDx
Classification: Pathogenic. Last evaluated: 2023-05-15. Review status: criteria provided, single submitter. Criteria: GeneDx Variant Classification Process June 2021. Collection method: clinical testing. Allele origin: germline. Affected: yes.
Comment: Frameshift variant predicted to result in protein truncation or nonsense mediated decay in a gene for which loss of function is a known mechanism of disease; Not observed at significant frequency in large population cohorts (gnomAD); Has not been previously published as pathogenic or benign to our knowledge